The following is an entry in ClinVar:

NM_002941.4(ROBO1):c.350C>T (p.Ser117Leu)

Gene: ROBO1 (roundabout guidance receptor 1; minus strand). Cytogenetic location: 3p12.3.
Variant type: single nucleotide variant.
Coding change: c.350C>T on transcript NM_002941.4 (MANE Select); coding-DNA position 350, C replaced by T.
Protein change: p.Ser117Leu; replaces serine 117 with leucine.
Molecular consequence: missense variant.
Genome position (GRCh38, 1-based): chr3:78,938,750, G>A on the plus strand (C>T on the coding strand, the complement: ROBO1 is on the minus strand). VCF-style: chr3-78938750-G-A. GRCh37 (hg19) VCF-style: chr3-78987900-G-A.
Other names: c.233C>T, p.Ser78Leu (NM_001145844.1, NM_001145845.2, NM_133631.4); short protein forms S117L, S78L.
Identifiers: ClinVar variation 2632397 (VCV002632397.1), dbSNP rs746537675, ClinGen allele CA2499278.

ClinVar aggregate classification (germline): Uncertain significance (1 of 4 stars; one submission).

Conditions:
ROBO1-related disorder. Also called: ROBO1-related condition.

Allele frequency attached by ClinVar (database versions not stated): ExAC 0.00001; gnomAD exomes 0.00001.
gnomAD v4.1: 3 of 1,613,976 alleles (0.00019%); highest among the groups gnomAD compares: South Asian, 0.0033%; no homozygotes.

Submission:

PreventionGenetics, part of Exact Sciences
Classification: Uncertain significance for ROBO1-related condition. Last evaluated: 2023-06-20. Review status: criteria provided, single submitter. Criteria: ACMG Guidelines, 2015. Collection method: clinical testing. Allele origin: germline.
Comment: The ROBO1 c.350C>T variant is predicted to result in the amino acid substitution p.Ser117Leu. To our knowledge, this variant has not been reported in the literature. This variant is reported in 0.0065% of alleles in individuals of South Asian descent in gnomAD. At this time, the clinical significance of this variant is uncertain due to the absence of conclusive functional and genetic evidence.